The following is an entry in ClinVar:

ClinVar aggregate classification (germline): Uncertain significance (1 of 4 stars; one submission).

Submission:

Labcorp Genetics (formerly Invitae), Labcorp
Classification: Uncertain significance. Last evaluated: 2022-07-19. Review status: criteria provided, single submitter. Criteria: Invitae Variant Classification Sherloc (09022015). Collection method: clinical testing. Allele origin: germline.
Comment: In summary, the available evidence is currently insufficient to determine the role of this variant in disease. Therefore, it has been classified as a Variant of Uncertain Significance. Advanced modeling of protein sequence and biophysical properties (such as structural, functional, and spatial information, amino acid conservation, physicochemical variation, residue mobility, and thermodynamic stability) performed at Invitae indicates that this missense variant is expected to disrupt ASNS protein function. ClinVar contains an entry for this variant (Variation ID: 1390862). This variant has not been reported in the literature in individuals affected with ASNS-related conditions. This variant is not present in population databases (gnomAD no frequency). This sequence change replaces glycine, which is neutral and non-polar, with alanine, which is neutral and non-polar, at codon 119 of the ASNS protein (p.Gly119Ala).

NM_001673.5(ASNS):c.356G>C (p.Gly119Ala)

Genes: ASNS (asparagine synthetase (glutamine-hydrolyzing); minus strand), CZ1P-ASNS (CZ1P-ASNS readthrough; minus strand). Cytogenetic location: 7q21.3.
Variant type: single nucleotide variant.
Coding change: c.356G>C on transcript NM_001673.5 (MANE Select); coding-DNA position 356, G replaced by C.
Protein change: p.Gly119Ala; replaces glycine 119 with alanine.
Molecular consequence: missense variant. On other transcripts: non-coding transcript variant (1).
Genome position (GRCh38, 1-based): chr7:97,864,390, C>G on the plus strand (G>C on the coding strand, the complement: ASNS is on the minus strand). VCF-style: chr7-97864390-C-G. GRCh37 (hg19) VCF-style: chr7-97493702-C-G.
Other names: c.293G>C, p.Gly98Ala (NM_001178075.2); c.107G>C, p.Gly36Ala (NM_001178076.2, NM_001178077.1); c.356G>C, p.Gly119Ala (NM_001352496.2, NM_133436.3, NM_183356.4); short protein forms G36A, G98A, G119A.
Identifiers: ClinVar variation 1390862 (VCV001390862.6), dbSNP rs2115709416, ClinGen allele CA368271489.